The following is an entry in ClinVar:

NM_005219.5(DIAPH1):c.1821TCC[8] (p.Pro618_Pro620del)

Gene: DIAPH1 (diaphanous related formin 1; minus strand). Cytogenetic location: 5q31.3.
Variant type: Microsatellite.
Coding change: c.1821TCC[8] on transcript NM_005219.5 (MANE Select); eight copies in a row of the 3-base unit TCC starting at c.1821; the reference has 11 copies in a row; three copies, 9 bases deleted.
Protein change: p.Pro618_Pro620del.
Molecular consequence: inframe deletion.
Genome position (GRCh38, 1-based): chr5:141,573,997-141,574,005, GGAGGAGGA deleted on the plus strand (TCCTCCTCC on the coding strand, the reverse complement: DIAPH1 is on the minus strand); deleting any 9 consecutive bases within chr5:141,573,997-141,574,030 gives the same sequence; the position shown is the placement nearest the transcript's 3' end. VCF-style (leftmost placement, unchanged base first): chr5-141573996-TGGAGGAGGA-T. GRCh37 (hg19) VCF-style: chr5-140953563-TGGAGGAGGA-T.
Other names: c.1794TCC[8], p.Pro609_Pro611del (NM_001079812.3); c.1821TCC[8], p.Pro618_Pro620del (NM_001314007.2).
Identifiers: ClinVar variation 593399 (VCV000593399.15), dbSNP rs3075570, ClinGen allele CA128437269.
Genomic context (GRCh38, chr5:141,573,996, plus strand): 5'-AGCAGTACCTCCAGGTAAAGAAGGGGGTGAGGAGATGCAAACACCCCCAGGCAAAGGAGG[TGGAGGAGGA>T]GGAGGAGGAGGAGGAGGAGGAGGAGTGGTACTATCCCCAGGAGCAGGTGGTGGTGGAATA-3'

ClinVar aggregate classification (germline): Conflicting classifications of pathogenicity. Review status: criteria provided, conflicting classifications (1 of 4 stars). 3 submissions from 3 submitters: Uncertain significance (2); Likely benign (1). Last evaluated 2025-02-26.

Conditions:
Autosomal dominant nonsyndromic hearing loss 1. Also called: KONIGSMARK SYNDROME; DEAFNESS, AUTOSOMAL DOMINANT 1, WITH OR WITHOUT THROMBOCYTOPENIA. Identifiers: Orphanet 90635, MedGen C1852282, MONDO:0007424, OMIM 124900.
Progressive microcephaly-seizures-cortical blindness-developmental delay syndrome. Also called: Seizures, cortical blindness, and microcephaly syndrome. Identifiers: Orphanet 477814, MedGen C5567650, MONDO:0014714, OMIM 616632.

Submissions (3):

GeneDx
Classification: Uncertain significance. Last evaluated: 2025-02-26. Review status: criteria provided, single submitter. Criteria: GeneDx Variant Classification Process June 2021. Collection method: clinical testing. Allele origin: germline.
Comment: Not observed at significant frequency in large population cohorts (gnomAD); In-frame deletion of 3 amino acids in a Pro-biased region; Has not been previously published as pathogenic or benign to our knowledge; In silico analysis indicates that this variant does not alter protein structure/function

Labcorp Genetics (formerly Invitae), Labcorp
Classification: Uncertain significance for Progressive microcephaly-seizures-cortical blindness-developmental delay syndrome; Autosomal dominant nonsyndromic hearing loss 1. Last evaluated: 2022-03-27. Review status: criteria provided, single submitter. Criteria: Invitae Variant Classification Sherloc (09022015). Collection method: clinical testing. Allele origin: germline.
Comment: This variant, c.1845_1853del, results in the deletion of 3 amino acid(s) of the DIAPH1 protein (p.Pro618_Pro620del), but otherwise preserves the integrity of the reading frame. In summary, the available evidence is currently insufficient to determine the role of this variant in disease. Therefore, it has been classified as a Variant of Uncertain Significance. Experimental studies and prediction algorithms are not available or were not evaluated, and the functional significance of this variant is currently unknown. ClinVar contains an entry for this variant (Variation ID: 593399). This variant has been observed in individual(s) with epilepsy (Invitae). This variant is not present in population databases (gnomAD no frequency).

Eurofins Ntd Llc (ga)
Classification: Likely benign. Last evaluated: 2017-08-17. Review status: criteria provided, single submitter. Criteria: EGL Classification Definitions 2015. Collection method: clinical testing. Allele origin: germline. Observed: 1 variant allele, 1 heterozygote.